The following is an entry in ClinVar:

ClinVar aggregate classification (germline): Pathogenic. Review status: reviewed by expert panel (3 of 4 stars). 2 submissions from 2 submitters: Pathogenic (1). 1 of the submissions does not count toward it. Last evaluated 2016-10-18.

Conditions:
Breast-ovarian cancer, familial, susceptibility to, 2 (BROVCA2). Also called: BRCA2 Hereditary Breast and Ovarian Cancer. Identifiers: Orphanet 145, MedGen C2675520, MONDO:0012933, OMIM 612555. Disease mechanism: loss of function.

Submissions (2):

Evidence-based Network for the Interpretation of Germline Mutant Alleles (ENIGMA)
Classification: Pathogenic for Breast-ovarian cancer, familial, susceptibility to, 2. Last evaluated: 2016-10-18. Review status: reviewed by expert panel. Criteria: ENIGMA BRCA1/2 Classification Criteria (2015). Collection method: curation. Allele origin: germline.
Comment: Variant allele predicted to encode a truncated non-functional protein.

Consortium of Investigators of Modifiers of BRCA1/2 (CIMBA), c/o University of Cambridge
Classification: Pathogenic for Breast-ovarian cancer, familial, susceptibility to, 2. Last evaluated: 2015-10-02. Review status: criteria provided, single submitter. Criteria: CIMBA Mutation Classification guidelines May 2016. Collection method: clinical testing. Allele origin: germline. Not counted in ClinVar's aggregate classification.

NM_000059.4(BRCA2):c.995_996insA (p.His334fs)

Gene: BRCA2 (BRCA2 DNA repair associated; plus strand). Cytogenetic location: 13q13.1.
Variant type: Insertion.
Coding change: c.995_996insA on transcript NM_000059.4 (MANE Select); coding-DNA positions 995 to 996, A inserted.
Protein change: p.His334fs; shifts the reading frame from histidine 334.
Molecular consequence: frameshift variant.
Genome position: GRCh38 VCF-style: chr13-32332473-T-TA. GRCh37 (hg19) VCF-style: chr13-32906610-T-TA.
Other names: 1223_1224insA; short protein forms H334fs.
Identifiers: ClinVar variation 267178 (VCV000267178.5), dbSNP rs276174931, ClinGen allele CA10589066.